The following is an entry in ClinVar:

ClinVar aggregate classification (germline): Conflicting classifications of pathogenicity. Review status: criteria provided, conflicting classifications (1 of 4 stars). 8 submissions from 8 submitters: Uncertain significance (2); Benign (1); Likely benign (4). 1 of the submissions does not count toward it. Last evaluated 2026-05-12.

Conditions:
MATN3-related disorder. Also called: MATN3-related condition.
Multiple epiphyseal dysplasia type 5 (EDM5). Also called: Microepiphyseal dysplasia, bilateral hereditary; MATN3-Related Multiple Epiphyseal Dysplasia. Identifiers: Orphanet 93311, MedGen C1846843, MONDO:0011765, OMIM 607078.
Connective tissue disorder. Also called: Connective tissue disease. Identifiers: MedGen C0009782, MONDO:0003900.

Allele frequency attached by ClinVar (database versions not stated): ESP Exome Variant Server 0.00025; TOPMed 0.00032; gnomAD 0.00036 and 0.00039; gnomAD exomes 0.00045; ExAC 0.00046.
gnomAD v4.1: 533 of 1,613,468 alleles (0.033%); highest among the groups gnomAD compares: Middle Eastern, 0.35%; 1 homozygote.

Submissions (8):

Women's Health and Genetics/Laboratory Corporation of America, LabCorp
Classification: Likely benign. Last evaluated: 2026-05-12. Review status: criteria provided, single submitter. Criteria: LabCorp Variant Classification Summary - May 2015. Collection method: clinical testing. Allele origin: germline.

Labcorp Genetics (formerly Invitae), Labcorp
Classification: Benign. Last evaluated: 2025-10-26. Review status: criteria provided, single submitter. Criteria: Invitae Variant Classification Sherloc (09022015). Collection method: clinical testing. Allele origin: germline.

Blueprint Genetics
Classification: Likely benign. Last evaluated: 2024-10-21. Review status: criteria provided, single submitter. Criteria: ACMG Guidelines, 2015. Collection method: clinical testing. Allele origin: germline.

CeGaT Center for Human Genetics Tuebingen
Classification: Likely benign. Last evaluated: 2024-10-01. Review status: criteria provided, single submitter. Criteria: CeGaT Center For Human Genetics Tuebingen Variant Classification Criteria Version 2. Collection method: clinical testing. Allele origin: germline. Affected: yes. Observed: 2 variant alleles.
Comment: MATN3: BP4, BP7

Genome Diagnostics Laboratory, The Hospital for Sick Children
Classification: Uncertain significance for Connective tissue disorder. Last evaluated: 2020-04-01. Review status: criteria provided, single submitter. Criteria: ACMG Guidelines, 2015. Collection method: clinical testing. Allele origin: germline.

Illumina Laboratory Services, Illumina
Classification: Likely benign for Multiple epiphyseal dysplasia type 5. Last evaluated: 2018-01-13. Review status: criteria provided, single submitter. Criteria: ICSL Variant Classification Criteria 13 December 2019. Collection method: clinical testing. Allele origin: germline.
Comment: This variant was observed in the ICSL laboratory as part of a predisposition screen in an ostensibly healthy population. It had not been previously curated by ICSL or reported in the Human Gene Mutation Database (HGMD: prior to June 1st, 2018), and was therefore a candidate for classification through an automated scoring system. Utilizing variant allele frequency, disease prevalence and penetrance estimates, and inheritance mode, an automated score was calculated to assess if this variant is too frequent to cause the disease. Based on the score and internal cut-off values, a variant classified as likely benign is not then subjected to further curation. The score for this variant resulted in a classification of likely benign for this disease.

Eurofins Ntd Llc (ga)
Classification: Uncertain significance. Last evaluated: 2016-10-14. Review status: criteria provided, single submitter. Criteria: EGL Classification Definitions 2015. Collection method: clinical testing. Allele origin: germline. Observed: 1 variant allele, 1 heterozygote.

PreventionGenetics, part of Exact Sciences
Classification: Likely benign for MATN3-related condition. Last evaluated: 2019-10-30. Review status: no assertion criteria provided. Collection method: clinical testing. Allele origin: germline. Not counted in ClinVar's aggregate classification.
Comment: This variant is classified as likely benign based on ACMG/AMP sequence variant interpretation guidelines (Richards et al. 2015 PMID: 25741868, with internal and published modifications).

NM_002381.5(MATN3):c.330C>T (p.Ile110=)

Gene: MATN3 (matrilin 3; minus strand). Cytogenetic location: 2p24.1.
Variant type: single nucleotide variant.
Coding change: c.330C>T on transcript NM_002381.5 (MANE Select); coding-DNA position 330, C replaced by T.
Protein change: p.Ile110=; no amino-acid change (isoleucine 110 retained).
Molecular consequence: synonymous variant.
Genome position (GRCh38, 1-based): chr2:20,006,204, G>A on the plus strand (C>T on the coding strand, the complement: MATN3 is on the minus strand). VCF-style: chr2-20006204-G-A. GRCh37 (hg19) VCF-style: chr2-20205965-G-A.
Identifiers: ClinVar variation 333427 (VCV000333427.59), dbSNP rs201755444, ClinGen allele CA1543986.
Genomic context (GRCh38, chr2:20,006,204, plus strand): 5'-AGTGCTAGCATAGTTCACCACTGCCACCCGCGTGTCGGCTGGCCCAATGTCCAGAGTGTC[G>A]ATTATCCGGGAGACAAAAGTTTTCACTTTGGTGAATTCCAGGGGCCGTACGCTACGAGAA-3'
Protein context (NP_002372.1, residues 100-120): TKVKTFVSRI[Ile110=]DTLDIGPADT